The following is an entry in ClinVar:

ClinVar aggregate classification (germline): Likely pathogenic (1 of 4 stars; one submission).

Conditions:
Spastic paraplegia 18b, autosomal recessive (SPG18B). Also called: INTELLECTUAL DISABILITY, MOTOR DYSFUNCTION, AND JOINT CONTRACTURES. Identifiers: MedGen CN380649, MONDO:0700309, OMIM 611225.

Submission:

Department of Medical Genetics, Sanjay Gandhi Post Graduate Institute of Medical Sciences
Classification: Likely pathogenic for Spastic paraplegia 18b, autosomal recessive. Review status: criteria provided, single submitter. Criteria: ACMG Guidelines, 2015. Collection method: research. Allele origin: germline. Inheritance: Autosomal recessive inheritance. Affected: yes. Observed: 1 homozygote.

NM_007175.8(ERLIN2):c.988del (p.Glu330fs)

Gene: ERLIN2 (ER lipid raft associated 2; plus strand). Cytogenetic location: 8p11.23.
Variant type: Deletion.
Coding change: c.988del on transcript NM_007175.8 (MANE Select); coding-DNA position 988, one base deleted (G; older notation c.988delG).
Protein change: p.Glu330fs; shifts the reading frame from glutamic acid 330.
Molecular consequence: frameshift variant.
Genome position (GRCh38, 1-based): chr8:37,754,083, G deleted. VCF-style (leftmost placement, unchanged base first): chr8-37754082-TG-T. GRCh37 (hg19) VCF-style: chr8-37611600-TG-T.
Other names: p. Glu330Asnfs*16; c.988del, p.Glu330fs (NM_001362878.2); short protein forms E330fs.
Identifiers: ClinVar variation 4759352 (VCV004759352.1).
Genomic context (GRCh38, chr8:37,754,082, plus strand): 5'-GGGCAGTGTGAGCAAGCAGTTTGAGGGGCTAGCTGACAAGCTAAGCTTTGGCTTAGAAGA[TG>T]AACCCTTGGAGACGGCCACTAAGGAGAATTGAAAAAAACTTGATATGACTGCAAATGATA-3'